The following is an entry in ClinVar:

ClinVar aggregate classification (germline): Uncertain significance (1 of 4 stars; one submission).

Conditions:
Early-infantile DEE. Also called: Ohtahara syndrome; Early infantile epileptic encephalopathy with suppression bursts; Early infantile epileptic encephalopathy. Identifiers: Orphanet 1934, MedGen C0393706, MONDO:0800491.

Allele frequency attached by ClinVar (database versions not stated): gnomAD exomes below 0.00001; ExAC 0.00001.
gnomAD v4.1: 20 of 1,614,172 alleles (0.0012%); highest among the groups gnomAD compares: Non-Finnish European, 0.0017%; no homozygotes.

Submission:

Labcorp Genetics (formerly Invitae), Labcorp
Classification: Uncertain significance for Early-infantile DEE. Last evaluated: 2021-06-17. Review status: criteria provided, single submitter. Criteria: Invitae Variant Classification Sherloc (09022015). Collection method: clinical testing. Allele origin: germline.
Comment: In summary, the available evidence is currently insufficient to determine the role of this variant in disease. Therefore, it has been classified as a Variant of Uncertain Significance. This sequence change falls in intron 39 of the SPTAN1 gene. It does not directly change the encoded amino acid sequence of the SPTAN1 protein, but it affects a nucleotide within the consensus splice site of the intron. This variant is present in population databases (rs745921302, ExAC 0.001%). This variant has not been reported in the literature in individuals with SPTAN1-related conditions. Nucleotide substitutions within the consensus splice site are a relatively common cause of aberrant splicing (PMID: 17576681, 9536098). Algorithms developed to predict the effect of sequence changes on RNA splicing suggest that this variant may disrupt the consensus splice site, but this prediction has not been confirmed by published transcriptional studies.

Literature cited by the submitters: PubMed 17576681; PubMed 9536098.

NM_001130438.3(SPTAN1):c.5043+4A>C

Gene: SPTAN1 (spectrin alpha, non-erythrocytic 1; plus strand). Cytogenetic location: 9q34.11.
Variant type: single nucleotide variant.
Coding change: c.5043+4A>C on transcript NM_001130438.3 (MANE Select); 4 bases into the intron after coding-DNA position 5043, A replaced by C.
Molecular consequence: intron variant.
Genome position (GRCh38, 1-based): chr9:128,612,250, A>C. VCF-style: chr9-128612250-A-C. GRCh37 (hg19) VCF-style: chr9-131374529-A-C.
Other names: c.5079+4A>C (NM_001375318.1, NM_001375312.2); c.5043+4A>C (NM_001375311.2, NM_001375310.1, NM_001363759.2 and 1 more transcripts); c.4983+4A>C (NM_001375314.2, NM_001363765.2); c.5028+4A>C (NM_003127.4); c.4968+4A>C (NM_001195532.2).
Identifiers: ClinVar variation 1041784 (VCV001041784.8), dbSNP rs745921302, ClinGen allele CA5265355.